The following is an entry in ClinVar:

ClinVar aggregate classification (germline): Uncertain significance (1 of 4 stars; one submission).

Submission:

Labcorp Genetics (formerly Invitae), Labcorp
Classification: Uncertain significance. Last evaluated: 2024-10-29. Review status: criteria provided, single submitter. Criteria: Invitae Variant Classification Sherloc (09022015). Collection method: clinical testing. Allele origin: germline.
Comment: This sequence change replaces lysine, which is basic and polar, with asparagine, which is neutral and polar, at codon 81 of the WDR1 protein (p.Lys81Asn). Information on the frequency of this variant in the gnomAD database is not available, as this variant may be reported differently in the database. This variant has not been reported in the literature in individuals affected with WDR1-related conditions. ClinVar contains an entry for this variant (Variation ID: 1898397). Experimental studies and prediction algorithms are not available or were not evaluated, and the functional significance of this variant is currently unknown. In summary, the available evidence is currently insufficient to determine the role of this variant in disease. Therefore, it has been classified as a Variant of Uncertain Significance.

NM_017491.5(WDR1):c.243_244delinsTT (p.Lys81Asn)

Gene: WDR1 (WD repeat domain 1; minus strand). Cytogenetic location: 4p16.1.
Variant type: Indel.
Coding change: c.243_244delinsTT on transcript NM_017491.5 (MANE Select); coding-DNA positions 243 to 244, GC replaced by TT.
Protein change: p.Lys81Asn; replaces lysine 81 with asparagine.
Molecular consequence: missense variant. On other transcripts: intron variant (1).
Genome position (GRCh38, 1-based): chr4:10,099,125-10,099,126, GC replaced by AA on the plus strand (GC replaced by TT on the coding strand, the reverse complement: WDR1 is on the minus strand). VCF-style: chr4-10099125-GC-AA. GRCh37 (hg19) VCF-style: chr4-10100749-GC-AA.
Other names: c.139-10385_139-10384delinsTT (NM_005112.5); short protein forms K81N.
Identifiers: ClinVar variation 1898397 (VCV001898397.3), dbSNP rs2547371927, ClinGen allele CA2580070840.